The following is an entry in ClinVar:

ClinVar aggregate classification (germline): Uncertain significance. Review status: criteria provided, multiple submitters, no conflicts (2 of 4 stars). 2 submissions from 2 submitters: Uncertain significance (2). Last evaluated 2026-02-18.

Conditions:
Hereditary cancer-predisposing syndrome. Also called: Tumor predisposition; Hereditary Cancer Syndrome; Neoplastic Syndromes, Hereditary; Hereditary neoplastic syndrome. Identifiers: Orphanet 140162, MedGen C0027672, MeSH D009386, MONDO:0015356.
Bloom syndrome (BLM). Also called: Bloom-Torre-Machacek syndrome. Identifiers: Orphanet 125, MedGen C0005859, MONDO:0008876, OMIM 210900.

Submissions (2):

Ambry Genetics
Classification: Uncertain significance for Hereditary cancer-predisposing syndrome. Last evaluated: 2026-02-18. Review status: criteria provided, single submitter. Criteria: Ambry Variant Classification Scheme 2023. Collection method: clinical testing. Allele origin: germline.
Comment: The p.K869Q variant (also known as c.2605A>C), located in coding exon 12 of the BLM gene, results from an A to C substitution at nucleotide position 2605. The lysine at codon 869 is replaced by glutamine, an amino acid with similar properties. This amino acid position is conserved. In addition, the in silico prediction for this alteration is inconclusive. Based on the available evidence, the clinical significance of this variant remains unclear.

Labcorp Genetics (formerly Invitae), Labcorp
Classification: Uncertain significance for Bloom syndrome. Last evaluated: 2024-04-08. Review status: criteria provided, single submitter. Criteria: Invitae Variant Classification Sherloc (09022015). Collection method: clinical testing. Allele origin: germline.
Comment: This sequence change replaces lysine, which is basic and polar, with glutamine, which is neutral and polar, at codon 869 of the BLM protein (p.Lys869Gln). This variant is not present in population databases (gnomAD no frequency). This variant has not been reported in the literature in individuals affected with BLM-related conditions. ClinVar contains an entry for this variant (Variation ID: 524773). Advanced modeling of protein sequence and biophysical properties (such as structural, functional, and spatial information, amino acid conservation, physicochemical variation, residue mobility, and thermodynamic stability) performed at Invitae indicates that this missense variant is expected to disrupt BLM protein function with a positive predictive value of 80%. In summary, the available evidence is currently insufficient to determine the role of this variant in disease. Therefore, it has been classified as a Variant of Uncertain Significance.

NM_000057.4(BLM):c.2605A>C (p.Lys869Gln)

Gene: BLM (BLM RecQ like helicase; plus strand). Cytogenetic location: 15q26.1.
Variant type: single nucleotide variant.
Coding change: c.2605A>C on transcript NM_000057.4 (MANE Select); coding-DNA position 2605, A replaced by C.
Protein change: p.Lys869Gln; replaces lysine 869 with glutamine.
Molecular consequence: missense variant.
Genome position (GRCh38, 1-based): chr15:90,782,871, A>C. VCF-style: chr15-90782871-A-C. GRCh37 (hg19) VCF-style: chr15-91326101-A-C.
Other names: c.2605A>C, p.Lys869Gln (NM_001287246.2, NM_001287247.2); c.1480A>C, p.Lys494Gln (NM_001287248.2); c.2605A>C (NM_000057.2); short protein forms K869Q, K494Q.
Identifiers: ClinVar variation 524773 (VCV000524773.10), dbSNP rs1555422363, ClinGen allele CA393845694.